The following is an entry in ClinVar:

NC_000001.11:g.11934703G>A

Gene: PLOD1 (procollagen-lysine,2-oxoglutarate 5-dioxygenase 1; plus strand). Cytogenetic location: 1p36.22.
Variant type: single nucleotide variant.
Genome position: GRCh38 VCF-style: chr1-11934703-G-A. GRCh37 (hg19) VCF-style: chr1-11994760-G-A.
Identifiers: ClinVar variation 292249 (VCV000292249.36), dbSNP rs144465849, ClinGen allele CA10607507.
Genomic context (GRCh38, chr1:11,934,703, plus strand): 5'-GGGAGGGCGTGGAGGGGCGGGGTGGTGCCGCCCCCGGGGCGGGCCCAGTGCGTGGCAGCG[G>A]GACCTGCGGCCCCGTCGCGAAGTTTCCAGCCCTGCGAGCGCCGCCGGGTCGGCCGATCGT-3'

ClinVar aggregate classification (germline): Conflicting classifications of pathogenicity. Review status: criteria provided, conflicting classifications (1 of 4 stars). 2 submissions from 2 submitters: Uncertain significance (1); Benign (1). Last evaluated 2023-07-01.

Allele frequency attached by ClinVar (database versions not stated): 1000 Genomes Project 0.00260; 1000 Genomes Project 30x 0.00281; gnomAD 0.00630 and 0.00649; TOPMed 0.00675; gnomAD exomes 0.00962.

Submissions (2):

CeGaT Center for Human Genetics Tuebingen
Classification: Benign. Last evaluated: 2023-07-01. Review status: criteria provided, single submitter. Criteria: CeGaT Center For Human Genetics Tuebingen Variant Classification Criteria Version 2. Collection method: clinical testing. Allele origin: germline. Affected: yes. Observed: 7 variant alleles.
Comment: PLOD1: BS1, BS2

Breakthrough Genomics
Classification: Uncertain significance. Review status: criteria provided, single submitter. Criteria: ACMG Guidelines, 2015. Collection method: not provided. Allele origin: germline. Inheritance: Autosomal recessive inheritance. Affected: yes.